The following is an entry in ClinVar:

ClinVar aggregate classification (germline): Uncertain significance (1 of 4 stars; one submission).

Submission:

Dasa
Classification: Uncertain significance. Last evaluated: 2026-04-20. Review status: criteria provided, single submitter. Criteria: DASA Assertion Criteria. Collection method: clinical testing. Allele origin: germline.
Comment: NM_080473.5(GATA5):c.623A>G (p.Tyr208Cys) is a missense variant that results in the substitution of tyrosine with cysteine. This variant is rare in population databases. Computational prediction algorithms are consistent with a deleterious effect. The currently available literature and clinical evidence are not sufficient to establish a definitive association between this variant and the reported condition. Therefore, this variant is classified as a variant of uncertain significance.

NM_080473.5(GATA5):c.623A>G (p.Tyr208Cys)

Gene: GATA5 (GATA binding protein 5; minus strand). Cytogenetic location: 20q13.33.
Variant type: single nucleotide variant.
Coding change: c.623A>G on transcript NM_080473.5 (MANE Select); coding-DNA position 623, A replaced by G.
Protein change: p.Tyr208Cys; replaces tyrosine 208 with cysteine.
Molecular consequence: missense variant.
Genome position (GRCh38, 1-based): chr20:62,473,479, T>C on the plus strand (A>G on the coding strand, the complement: GATA5 is on the minus strand). VCF-style: chr20-62473479-T-C. GRCh37 (hg19) VCF-style: chr20-61048535-T-C.
Other names: short protein forms Y208C.
Identifiers: ClinVar variation 4883689 (VCV004883689.2).
Genomic context (GRCh38, chr20:62,473,479, plus strand): 5'-CGAACGAGCGGCCGGTTGACGCCATTCATCTTGTGGTAGAGGCCGCAGGCATTGCACAGG[T>C]AGTGGCCGGTGCCGTCTCGGCGCCACAGCGGTGTGGACAGGGCCCCGCAGTTGACACACT-3'
Protein context (NP_536721.1, residues 198-218): PLWRRDGTGH[Tyr208Cys]LCNACGLYHK